The following is an entry in ClinVar:

ClinVar aggregate classification (germline): Uncertain significance (0 of 4 stars; one submission).

Conditions:
PEX11B-related disorder. Also called: PEX11B-related condition.

Submission:

PreventionGenetics, part of Exact Sciences
Classification: Uncertain significance for PEX11B-related condition. Last evaluated: 2024-06-13. Review status: no assertion criteria provided. Collection method: clinical testing. Allele origin: germline.
Comment: The PEX11B c.182T>C variant is predicted to result in the amino acid substitution p.Leu61Pro. To our knowledge, this variant has not been reported in the literature or in a large population database, indicating this variant is rare. At this time, the clinical significance of this variant is uncertain due to the absence of conclusive functional and genetic evidence.

NM_003846.3(PEX11B):c.182T>C (p.Leu61Pro)

Gene: PEX11B (peroxisomal biogenesis factor 11 beta; minus strand). Cytogenetic location: 1q21.1.
Variant type: single nucleotide variant.
Coding change: c.182T>C on transcript NM_003846.3 (MANE Select); coding-DNA position 182, T replaced by C.
Protein change: p.Leu61Pro; replaces leucine 61 with proline.
Molecular consequence: missense variant. On other transcripts: non-coding transcript variant (3).
Genome position (GRCh38, 1-based): chr1:145,917,009, A>G on the plus strand (T>C on the coding strand, the complement: PEX11B is on the minus strand). VCF-style: chr1-145917009-A-G. GRCh37 (hg19) VCF-style: chr1-145518080-T-C.
Other names: c.140T>C, p.Leu47Pro (NM_001184795.1); short protein forms L47P, L61P.
Identifiers: ClinVar variation 3351259 (VCV003351259.1).